The following is an entry in ClinVar:

ClinVar aggregate classification (germline): Uncertain significance (1 of 4 stars; one submission).

Conditions:
Nephronophthisis. Also called: Juvenile Nephronophthisis. Identifiers: Orphanet 655, MedGen C0687120, MONDO:0019005, HP:0000090.

Allele frequency attached by ClinVar (database versions not stated): gnomAD 0.00003; 1000 Genomes Project 30x 0.00016; 1000 Genomes Project 0.00020.
gnomAD v4.1: 41 of 1,614,194 alleles (0.0025%); highest among the groups gnomAD compares: South Asian, 0.034%; no homozygotes.

Submission:

Labcorp Genetics (formerly Invitae), Labcorp
Classification: Uncertain significance for Nephronophthisis. Last evaluated: 2022-08-09. Review status: criteria provided, single submitter. Criteria: Invitae Variant Classification Sherloc (09022015). Collection method: clinical testing. Allele origin: germline.
Comment: In summary, the available evidence is currently insufficient to determine the role of this variant in disease. Therefore, it has been classified as a Variant of Uncertain Significance. Algorithms developed to predict the effect of sequence changes on RNA splicing suggest that this variant may disrupt the consensus splice site. Algorithms developed to predict the effect of missense changes on protein structure and function are either unavailable or do not agree on the potential impact of this missense change (SIFT: "Deleterious"; PolyPhen-2: "Possibly Damaging"; Align-GVGD: "Class C0"). This variant has not been reported in the literature in individuals affected with NPHP3-related conditions. This variant is present in population databases (rs538529082, gnomAD 0.04%). This sequence change replaces valine, which is neutral and non-polar, with phenylalanine, which is neutral and non-polar, at codon 415 of the NPHP3 protein (p.Val415Phe).

NM_153240.5(NPHP3):c.1243G>T (p.Val415Phe)

Genes: NPHP3 (nephrocystin 3; minus strand), NPHP3-ACAD11 (NPHP3-ACAD11 readthrough (NMD candidate); minus strand). Cytogenetic location: 3q22.1.
Variant type: single nucleotide variant.
Coding change: c.1243G>T on transcript NM_153240.5 (MANE Select); coding-DNA position 1243, G replaced by T.
Protein change: p.Val415Phe; replaces valine 415 with phenylalanine.
Molecular consequence: missense variant. On other transcripts: non-coding transcript variant (1).
Genome position (GRCh38, 1-based): chr3:132,708,133, C>A on the plus strand (G>T on the coding strand, the complement: NPHP3 is on the minus strand). VCF-style: chr3-132708133-C-A. GRCh37 (hg19) VCF-style: chr3-132426977-C-A.
Other names: short protein forms V415F.
Identifiers: ClinVar variation 2177290 (VCV002177290.4), dbSNP rs538529082, ClinGen allele CA2622366.